The following is an entry in ClinVar:

NM_001195.5(BFSP1):c.136G>T (p.Gly46Trp)

Gene: BFSP1 (beaded filament structural protein 1; minus strand). Cytogenetic location: 20p12.1.
Variant type: single nucleotide variant.
Coding change: c.136G>T on transcript NM_001195.5 (MANE Select); coding-DNA position 136, G replaced by T.
Protein change: p.Gly46Trp; replaces glycine 46 with tryptophan.
Molecular consequence: missense variant. On other transcripts: intron variant (4).
Genome position (GRCh38, 1-based): chr20:17,531,194, C>A on the plus strand (G>T on the coding strand, the complement: BFSP1 is on the minus strand). VCF-style: chr20-17531194-C-A. GRCh37 (hg19) VCF-style: chr20-17511839-C-A.
Other names: c.-40-6286G>T (NM_001278608.2, NM_001278606.2); c.45-6286G>T (NM_001278607.2); c.3-6286G>T (NM_001161705.2); short protein forms G46W.
Identifiers: ClinVar variation 2381570 (VCV002381570.5), dbSNP rs964462179, ClinGen allele CA312244028.

ClinVar aggregate classification (germline): Uncertain significance. Review status: criteria provided, multiple submitters, no conflicts (2 of 4 stars). 2 submissions from 2 submitters: Uncertain significance (2). Last evaluated 2023-12-31.

Conditions:
Cataract 33. Also called: CATARACT 33, CORTICAL. Identifiers: Orphanet 91492, MedGen C3808107, MONDO:0012665, OMIM 611391.
Inborn genetic diseases. Identifiers: MedGen C0950123, MeSH D030342.

Allele frequency attached by ClinVar (database versions not stated): gnomAD 0.00001; TOPMed 0.00003.
gnomAD v4.1: 12 of 1,304,588 alleles (0.00092%); highest among the groups gnomAD compares: Admixed American, 0.046%; no homozygotes.

Submissions (2):

Labcorp Genetics (formerly Invitae), Labcorp
Classification: Uncertain significance for Cataract 33. Last evaluated: 2023-12-31. Review status: criteria provided, single submitter. Criteria: Invitae Variant Classification Sherloc (09022015). Collection method: clinical testing. Allele origin: germline.
Comment: This sequence change replaces glycine, which is neutral and non-polar, with tryptophan, which is neutral and slightly polar, at codon 46 of the BFSP1 protein (p.Gly46Trp). The frequency data for this variant in the population databases is considered unreliable, as metrics indicate poor data quality at this position in the gnomAD database. This variant has not been reported in the literature in individuals affected with BFSP1-related conditions. ClinVar contains an entry for this variant (Variation ID: 2381570). Advanced modeling of protein sequence and biophysical properties (such as structural, functional, and spatial information, amino acid conservation, physicochemical variation, residue mobility, and thermodynamic stability) performed at Invitae indicates that this missense variant is not expected to disrupt BFSP1 protein function with a negative predictive value of 80%. In summary, the available evidence is currently insufficient to determine the role of this variant in disease. Therefore, it has been classified as a Variant of Uncertain Significance.

Ambry Genetics
Classification: Uncertain significance for Inborn genetic diseases. Last evaluated: 2021-08-17. Review status: criteria provided, single submitter. Criteria: Ambry Variant Classification Scheme 2023. Collection method: clinical testing. Allele origin: germline.